The following is an entry in ClinVar:

ClinVar aggregate classification (germline): Pathogenic (1 of 4 stars; one submission).

Submission:

Genetic Services Laboratory, University of Chicago
Classification: Pathogenic. Last evaluated: 2025-12-09. Review status: criteria provided, single submitter. Criteria: ACMG Guidelines, 2015. Collection method: clinical testing. Allele origin: germline.
Comment: The c.237del variant: Is a deletion of one base pair in exon 3. Results in a frameshift and the introduction of a premature stop codon 4 amino acids downstream from this change, p.Lys79Asnfs*4 Is predicted to result in an abnormal transcript with potentially abnormal function. Loss of function is a known mechanism for disease in PAX2-related disorders (PMID: 33363218). Does not appear to have been previously described in individuals with PAX2-related disorders Has not been described in population databases such as gnomAD v4. ClinVar does not contain an entry for this variant. Collectively this evidence indicates that this variant is pathogenic; however functional studies have not been performed to prove this conclusively.

NM_000278.5(PAX2):c.237del (p.Lys79fs)

Gene: PAX2 (paired box 2; plus strand). Cytogenetic location: 10q24.31.
Variant type: Deletion.
Coding change: c.237del on transcript NM_000278.5 (MANE Select); coding-DNA position 237, one base deleted (G; older notation c.237delG).
Protein change: p.Lys79fs; shifts the reading frame from lysine 79.
Molecular consequence: frameshift variant.
Genome position (GRCh38, 1-based): chr10:100,750,718, G deleted. VCF-style (leftmost placement, unchanged base first): chr10-100750717-AG-A. GRCh37 (hg19) VCF-style: chr10-102510474-AG-A.
Other names: c.330del, p.Lys110fs (NM_001304569.2); c.237del, p.Lys79fs (NM_003987.5, NM_003988.5, NM_003989.5 and 1 more transcripts); c.237del (NM_003987.4); short protein forms K110fs, K79fs.
Identifiers: ClinVar variation 5010231 (VCV005010231.1).